The following is an entry in ClinVar:

NM_003954.5(MAP3K14):c.2543G>A (p.Arg848Gln)

Genes: MAP3K14 (mitogen-activated protein kinase kinase kinase 14; minus strand), MAP3K14-AS1 (MAP3K14 antisense RNA 1; plus strand). Cytogenetic location: 17q21.31.
Variant type: single nucleotide variant.
Coding change: c.2543G>A on transcript NM_003954.5 (MANE Select); coding-DNA position 2543, G replaced by A.
Protein change: p.Arg848Gln; replaces arginine 848 with glutamine.
Molecular consequence: missense variant.
Genome position (GRCh38, 1-based): chr17:45,266,572, C>T on the plus strand (G>A on the coding strand, the complement: MAP3K14 is on the minus strand). VCF-style: chr17-45266572-C-T. GRCh37 (hg19) VCF-style: chr17-43343939-C-T.
Other names: c.2543G>A, p.Arg848Gln (LRG_1222t1); short protein forms R848Q.
Identifiers: ClinVar variation 651083 (VCV000651083.8), dbSNP rs561757277, ClinGen allele CA8613851.

ClinVar aggregate classification (germline): Uncertain significance (1 of 4 stars; one submission).

Conditions:
NIK deficiency. Also called: Primary immunodeficiency with multifaceted aberrant lymphoid immunity. Identifiers: Orphanet 447731, MedGen C5680065, MONDO:0018642.

Allele frequency attached by ClinVar (database versions not stated): ExAC 0.00003; gnomAD exomes 0.00003 and 0.00007; gnomAD 0.00004 and 0.00005; TOPMed 0.00004; 1000 Genomes Project 30x 0.00016; 1000 Genomes Project 0.00020.
gnomAD v4.1: 111 of 1,613,000 alleles (0.0069%); highest among the groups gnomAD compares: Non-Finnish European, 0.009%; no homozygotes.

Submission:

Labcorp Genetics (formerly Invitae), Labcorp
Classification: Uncertain significance for NIK deficiency. Last evaluated: 2022-02-08. Review status: criteria provided, single submitter. Criteria: Invitae Variant Classification Sherloc (09022015). Collection method: clinical testing. Allele origin: germline.
Comment: This sequence change replaces arginine, which is basic and polar, with glutamine, which is neutral and polar, at codon 848 of the MAP3K14 protein (p.Arg848Gln). This variant is present in population databases (rs561757277, gnomAD 0.006%). This variant has not been reported in the literature in individuals affected with MAP3K14-related conditions. ClinVar contains an entry for this variant (Variation ID: 651083). Algorithms developed to predict the effect of sequence changes on RNA splicing suggest that this variant may create or strengthen a splice site. In summary, the available evidence is currently insufficient to determine the role of this variant in disease. Therefore, it has been classified as a Variant of Uncertain Significance.